The following is an entry in ClinVar:

ClinVar aggregate classification (germline): Uncertain significance. Review status: criteria provided, multiple submitters, no conflicts (2 of 4 stars). 2 submissions from 2 submitters: Uncertain significance (2). Last evaluated 2025-06-17.

Conditions:
Inborn genetic diseases. Identifiers: MedGen C0950123, MeSH D030342.

Allele frequency attached by ClinVar (database versions not stated): gnomAD exomes below 0.00001; TOPMed 0.00001.
gnomAD v4.1: 2 of 1,614,096 alleles (0.00012%); highest among the groups gnomAD compares: Admixed American, 0.0017%; no homozygotes.

Submissions (2):

Women's Health and Genetics/Laboratory Corporation of America, LabCorp
Classification: Uncertain significance. Last evaluated: 2025-06-17. Review status: criteria provided, single submitter. Criteria: LabCorp Variant Classification Summary - May 2015. Collection method: clinical testing. Allele origin: germline.
Comment: Variant summary: GNAO1 c.277A>G (p.Ile93Val) results in a conservative amino acid change in the encoded protein sequence. Algorithms developed to predict the effect of missense changes on protein structure and function are either unavailable or do not agree on the potential impact of this missense change. The variant was absent in 251158 control chromosomes. The available data on variant occurrences in the general population are insufficient to allow any conclusion about variant significance. To our knowledge, no occurrence of c.277A>G in individuals affected with GNAO1-Related Disorders and no experimental evidence demonstrating its impact on protein function have been reported. ClinVar contains an entry for this variant (Variation ID: 2291242). Based on the evidence outlined above, the variant was classified as uncertain significance.

Ambry Genetics
Classification: Uncertain significance for Inborn genetic diseases. Last evaluated: 2022-05-26. Review status: criteria provided, single submitter. Criteria: Ambry Variant Classification Scheme 2023. Collection method: clinical testing. Allele origin: germline.

Literature cited by the submitters: PubMed 40225165 (cited by Women's Health and Genetics/Laboratory Corporation of America, LabCorp).

NM_020988.3(GNAO1):c.277A>G (p.Ile93Val)

Gene: GNAO1 (G protein subunit alpha o1; plus strand). Cytogenetic location: 16q13.
Variant type: single nucleotide variant.
Coding change: c.277A>G on transcript NM_020988.3 (MANE Select); coding-DNA position 277, A replaced by G.
Protein change: p.Ile93Val; replaces isoleucine 93 with valine.
Molecular consequence: missense variant.
Genome position (GRCh38, 1-based): chr16:56,276,046, A>G. VCF-style: chr16-56276046-A-G. GRCh37 (hg19) VCF-style: chr16-56309958-A-G.
Other names: c.277A>G, p.Ile93Val (NM_138736.3); short protein forms I93V.
Identifiers: ClinVar variation 2291242 (VCV002291242.3), dbSNP rs2037058607, ClinGen allele CA396128209.
Genomic context (GRCh38, chr16:56,276,046, plus strand): 5'-GTCTACAGCAACACTATCCAGTCCCTGGCAGCCATCGTCCGGGCCATGGACACTTTGGGC[A>G]TCGAATATGGTGATAAGGAGAGAAAGGTAGGCCCCTGAGCCCATAAGCACAGCAACAAGA-3'
Protein context (NP_066268.1, residues 83-103): AIVRAMDTLG[Ile93Val]EYGDKERKAD